The following is an entry in ClinVar:

NM_000782.5(CYP24A1):c.359G>A (p.Arg120His)

Gene: CYP24A1 (cytochrome P450 family 24 subfamily A member 1; minus strand). Cytogenetic location: 20q13.2.
Variant type: single nucleotide variant.
Coding change: c.359G>A on transcript NM_000782.5 (MANE Select); coding-DNA position 359, G replaced by A.
Protein change: p.Arg120His; replaces arginine 120 with histidine.
Molecular consequence: missense variant.
Genome position (GRCh38, 1-based): chr20:54,172,999, C>T on the plus strand (G>A on the coding strand, the complement: CYP24A1 is on the minus strand). VCF-style: chr20-54172999-C-T. GRCh37 (hg19) VCF-style: chr20-52789538-C-T.
Other names: c.359G>A, p.Arg120His (NM_001128915.2, NM_001424340.1, NM_001424341.1 and 2 more transcripts); short protein forms R120H.
Identifiers: ClinVar variation 3019023 (VCV003019023.4), dbSNP rs114476330, ClinGen allele CA9916198.
Genomic context (GRCh38, chr20:54,172,999, plus strand): 5'-TAGTCGCGATAGGCCTTCCACGGTTTGATCTCCAGCCGCTGCGGGTACGCGCTCTCGGTG[C>T]GGTACAGCGCTTCCAGCAGGCATGGCGAGCCCAGGTGCACCGACTCAAAGGAACCCAACT-3'
Protein context (NP_000773.2, residues 110-130): GSPCLLEALY[Arg120His]TESAYPQRLE

ClinVar aggregate classification (germline): Uncertain significance. Review status: criteria provided, multiple submitters, no conflicts (2 of 4 stars). 2 submissions from 2 submitters: Uncertain significance (2). Last evaluated 2025-04-24.

Allele frequency attached by ClinVar (database versions not stated): 1000 Genomes Project 30x 0.00016; 1000 Genomes Project 0.00020.
gnomAD v4.1: 144 of 1,612,124 alleles (0.0089%); highest among the groups gnomAD compares: East Asian, 0.1%; 1 homozygote.

Submissions (2):

Women's Health and Genetics/Laboratory Corporation of America, LabCorp
Classification: Uncertain significance. Last evaluated: 2025-04-24. Review status: criteria provided, single submitter. Criteria: LabCorp Variant Classification Summary - May 2015. Collection method: clinical testing. Allele origin: germline.
Comment: Variant summary: CYP24A1 c.359G>A (p.Arg120His) results in a non-conservative amino acid change in the encoded protein sequence. Five of five in-silico tools predict a damaging effect of the variant on protein function. The variant allele was found at a frequency of 0.00018 in 250352 control chromosomes in the gnomAD database, including 1 homozygote. This frequency is not significantly higher than estimated for a pathogenic variant in CYP24A1 causing Hypercalcemia, Infantile, 1, allowing no conclusion about variant significance. To our knowledge, no occurrence of c.359G>A in individuals affected with Hypercalcemia, Infantile, 1 and no experimental evidence demonstrating its impact on protein function have been reported. ClinVar contains an entry for this variant (Variation ID: 3019023). Based on the evidence outlined above, the variant was classified as uncertain significance.

Labcorp Genetics (formerly Invitae), Labcorp
Classification: Uncertain significance. Last evaluated: 2023-08-22. Review status: criteria provided, single submitter. Criteria: Invitae Variant Classification Sherloc (09022015). Collection method: clinical testing. Allele origin: germline.
Comment: This variant is present in population databases (rs114476330, gnomAD 0.1%), including at least one homozygous and/or hemizygous individual. In summary, the available evidence is currently insufficient to determine the role of this variant in disease. Therefore, it has been classified as a Variant of Uncertain Significance. Advanced modeling of protein sequence and biophysical properties (such as structural, functional, and spatial information, amino acid conservation, physicochemical variation, residue mobility, and thermodynamic stability) has been performed at Invitae for this missense variant, however the output from this modeling did not meet the statistical confidence thresholds required to predict the impact of this variant on CYP24A1 protein function. This variant has not been reported in the literature in individuals affected with CYP24A1-related conditions. This sequence change replaces arginine, which is basic and polar, with histidine, which is basic and polar, at codon 120 of the CYP24A1 protein (p.Arg120His).